The following is an entry in ClinVar:

NM_001165963.4(SCN1A):c.986G>C (p.Gly329Ala)

Gene: SCN1A (sodium voltage-gated channel alpha subunit 1; minus strand). Cytogenetic location: 2q24.3.
Variant type: single nucleotide variant.
Coding change: c.986G>C on transcript NM_001165963.4 (MANE Select); coding-DNA position 986, G replaced by C.
Protein change: p.Gly329Ala; replaces glycine 329 with alanine.
Molecular consequence: missense variant. On other transcripts: 5 prime UTR variant (1), non-coding transcript variant (1).
Genome position (GRCh38, 1-based): chr2:166,048,928, C>G on the plus strand (G>C on the coding strand, the complement: SCN1A is on the minus strand). VCF-style: chr2-166048928-C-G. GRCh37 (hg19) VCF-style: chr2-166905438-C-G.
Other names: c.986G>C, p.Gly329Ala (NM_001165964.3, NM_001202435.3, NM_001353948.2 and 10 more transcripts); c.-1440G>C (NM_001353961.2); short protein forms G329A.
Identifiers: ClinVar variation 1032678 (VCV001032678.9), dbSNP rs779184118, ClinGen allele CA349071694.
Genomic context (GRCh38, chr2:166,048,928, plus strand): 5'-CACAAATTATTGACTTACCCTGCATCAGAGCTATTTCCACATAGTAGTGCATCTAAAAAA[C>G]CCTCCAGGAAATAATGATATCCTGTTTGAAAAAAGAAAGTCGTATGATGAACATTTGCAT-3'
Protein context (NP_001159435.1, residues 319-339): QDSRYHYFLE[Gly329Ala]FLDALLCGNS

ClinVar aggregate classification (germline): Pathogenic/Likely pathogenic. Review status: criteria provided, multiple submitters, no conflicts (2 of 4 stars). 3 submissions from 3 submitters: Pathogenic (1); Likely pathogenic (2). Last evaluated 2025-09-02.

Conditions:
Early-infantile DEE. Also called: Early infantile epileptic encephalopathy; Ohtahara syndrome; Early infantile epileptic encephalopathy with suppression bursts. Identifiers: Orphanet 1934, MedGen C0393706, MONDO:0800491.
Severe myoclonic epilepsy in infancy (DRVT). Also called: Epileptic encephalopathy, early infantile, 6 (Dravet syndrome); Dravet syndrome; SEVERE MYOCLONIC EPILEPSY OF INFANCY; DEVELOPMENTAL AND EPILEPTIC ENCEPHALOPATHY 6A; Severe Myoclonic Epilepsy in Infancy (SMEI). Identifiers: Orphanet 33069, MedGen C0751122, MONDO:0100135, OMIM 607208.

Submissions (3):

Labcorp Genetics (formerly Invitae), Labcorp
Classification: Pathogenic for Early-infantile DEE. Last evaluated: 2025-09-02. Review status: criteria provided, single submitter. Criteria: Invitae Variant Classification Sherloc (09022015). Collection method: clinical testing. Allele origin: germline.
Comment: This sequence change replaces glycine, which is neutral and non-polar, with alanine, which is neutral and non-polar, at codon 329 of the SCN1A protein (p.Gly329Ala). This variant is not present in population databases (gnomAD no frequency). This missense change has been observed in individual(s) with genetic epilepsy with febrile seizures plus (PMID: 28084635). In at least one individual the variant was observed to be de novo. ClinVar contains an entry for this variant (Variation ID: 1032678). Invitae Evidence Modeling of protein sequence and biophysical properties (such as structural, functional, and spatial information, amino acid conservation, physicochemical variation, residue mobility, and thermodynamic stability) indicates that this missense variant is expected to disrupt SCN1A protein function with a positive predictive value of 95%. This variant disrupts the p.Gly329 amino acid residue in SCN1A. Other variant(s) that disrupt this residue have been determined to be pathogenic (PMID: 32538476; internal data). This suggests that this residue is clinically significant, and that variants that disrupt this residue are likely to be disease-causing. For these reasons, this variant has been classified as Pathogenic.

GeneDx
Classification: Likely pathogenic. Last evaluated: 2025-07-11. Review status: criteria provided, single submitter. Criteria: GeneDx Variant Classification Process June 2021. Collection method: clinical testing. Allele origin: germline. Affected: yes.
Comment: This substitution is predicted to be within the extracellular loop between the S5 and S6 transmembrane segments of the first homologous domain; Not observed at significant frequency in large population cohorts (gnomAD); In silico analysis supports that this missense variant has a deleterious effect on protein structure/function; This variant is associated with the following publications: (PMID: 28084635, 36939041)

Baylor Genetics
Classification: Likely pathogenic for Severe myoclonic epilepsy in infancy. Last evaluated: 2018-10-19. Review status: criteria provided, single submitter. Criteria: ACMG Guidelines, 2015. Collection method: clinical testing. Allele origin: maternal. Affected: yes.
Comment: This variant was determined to be likely pathogenic according to ACMG Guidelines, 2015 [PMID:25741868]. This variant has been previously reported as disease-causing [PMID 28084635]

Literature cited by the submitters: PubMed 28084635 (cited by Labcorp Genetics (formerly Invitae), Labcorp and Baylor Genetics); PubMed 32538476 (cited by Labcorp Genetics (formerly Invitae), Labcorp).